The following is an entry in ClinVar:

NM_001457.4(FLNB):c.6877A>G (p.Met2293Val)

Gene: FLNB (filamin B; plus strand). Cytogenetic location: 3p14.3.
Variant type: single nucleotide variant.
Coding change: c.6877A>G on transcript NM_001457.4 (MANE Select); coding-DNA position 6877, A replaced by G.
Protein change: p.Met2293Val; replaces methionine 2293 with valine.
Molecular consequence: missense variant.
Genome position (GRCh38, 1-based): chr3:58,156,064, A>G. VCF-style: chr3-58156064-A-G. GRCh37 (hg19) VCF-style: chr3-58141791-A-G.
Other names: c.6970A>G, p.Met2324Val (NM_001164317.2); c.6844A>G, p.Met2282Val (NM_001164318.2); c.6805A>G, p.Met2269Val (NM_001164319.2); short protein forms M2282V, M2269V, M2293V, M2324V.
Identifiers: ClinVar variation 2704386 (VCV002704386.3), dbSNP rs146509223, ClinGen allele CA353362493.

ClinVar aggregate classification (germline): Uncertain significance (1 of 4 stars; one submission).

Submission:

Labcorp Genetics (formerly Invitae), Labcorp
Classification: Uncertain significance. Last evaluated: 2023-12-20. Review status: criteria provided, single submitter. Criteria: Invitae Variant Classification Sherloc (09022015). Collection method: clinical testing. Allele origin: germline.
Comment: This sequence change replaces methionine, which is neutral and non-polar, with valine, which is neutral and non-polar, at codon 2293 of the FLNB protein (p.Met2293Val). This variant is not present in population databases (gnomAD no frequency). This variant has not been reported in the literature in individuals affected with FLNB-related conditions. Advanced modeling of protein sequence and biophysical properties (such as structural, functional, and spatial information, amino acid conservation, physicochemical variation, residue mobility, and thermodynamic stability) performed at Invitae indicates that this missense variant is not expected to disrupt FLNB protein function with a negative predictive value of 95%. In summary, the available evidence is currently insufficient to determine the role of this variant in disease. Therefore, it has been classified as a Variant of Uncertain Significance.